The following is an entry in ClinVar:

NM_001142633.3(PIK3R5):c.1748C>T (p.Pro583Leu)

Gene: PIK3R5 (phosphoinositide-3-kinase regulatory subunit 5; minus strand). Cytogenetic location: 17p13.1.
Variant type: single nucleotide variant.
Coding change: c.1748C>T on transcript NM_001142633.3 (MANE Select); coding-DNA position 1748, C replaced by T.
Protein change: p.Pro583Leu; replaces proline 583 with leucine.
Molecular consequence: missense variant.
Genome position (GRCh38, 1-based): chr17:8,887,552, G>A on the plus strand (C>T on the coding strand, the complement: PIK3R5 is on the minus strand). VCF-style: chr17-8887552-G-A. GRCh37 (hg19) VCF-style: chr17-8790869-G-A.
Other names: c.590C>T, p.Pro197Leu (NM_001251851.2, NM_001251852.2, NM_001251853.2 and 5 more transcripts); c.1748C>T, p.Pro583Leu (NM_001388396.1, NM_014308.4); c.1748C>T (NM_001142633.1); short protein forms P197L, P583L.
Identifiers: ClinVar variation 3629807 (VCV003629807.2).

ClinVar aggregate classification (germline): Conflicting classifications of pathogenicity. Review status: criteria provided, conflicting classifications (1 of 4 stars). 2 submissions from 2 submitters: Uncertain significance (1); Likely benign (1). Last evaluated 2025-08-25.

gnomAD v4.1: 254 of 1,608,074 alleles (0.016%); highest among the groups gnomAD compares: African/African-American, 0.29%; 1 homozygote.

Submissions (2):

Ambry Genetics
Classification: Uncertain significance. Last evaluated: 2025-08-25. Review status: criteria provided, single submitter. Criteria: Ambry Variant Classification Scheme 2023. Collection method: clinical testing. Allele origin: germline.

Women's Health and Genetics/Laboratory Corporation of America, LabCorp
Classification: Likely benign. Last evaluated: 2024-11-06. Review status: criteria provided, single submitter. Criteria: LabCorp Variant Classification Summary - May 2015. Collection method: clinical testing. Allele origin: germline.
Comment: Variant summary: PIK3R5 c.1748C>T (p.Pro583Leu) results in a non-conservative amino acid change in the encoded protein sequence. Three of five in-silico tools predict a benign effect of the variant on protein function. The variant allele was found at a frequency of 0.0002 in 237224 control chromosomes, predominantly at a frequency of 0.0027 within the African or African-American subpopulation in the gnomAD database. The observed variant frequency within African or African-American control individuals in the gnomAD database exceeds the estimated maximal expected allele frequency for a pathogenic variant in PIK3R5 causing Ataxia With Oculomotor Apraxia Type 3 phenotype. To our knowledge, no occurrence of c.1748C>T in individuals affected with Ataxia With Oculomotor Apraxia Type 3 and no experimental evidence demonstrating its impact on protein function have been reported. No submitters have cited clinical-significance assessments for this variant to ClinVar. Based on the evidence outlined above, the variant was classified as likely benign.